The following is an entry in ClinVar:

NM_005912.3(MC4R):c.902T>C (p.Ile301Thr)

Gene: MC4R (melanocortin 4 receptor; minus strand). Cytogenetic location: 18q21.32.
Variant type: single nucleotide variant.
Coding change: c.902T>C on transcript NM_005912.3 (MANE Select); coding-DNA position 902, T replaced by C.
Protein change: p.Ile301Thr; replaces isoleucine 301 with threonine.
Molecular consequence: missense variant.
Genome position (GRCh38, 1-based): chr18:60,371,448, A>G on the plus strand (T>C on the coding strand, the complement: MC4R is on the minus strand). VCF-style: chr18-60371448-A-G. GRCh37 (hg19) VCF-style: chr18-58038681-A-G.
Other names: short protein forms I301T.
Identifiers: ClinVar variation 945179 (VCV000945179.11), dbSNP rs1915335064, ClinGen allele CA402718831.
Genomic context (GRCh38, chr18:60,371,448, plus strand): 5'-GGATAGCAACAGATGATCTCTTTGAAGGTTTTCCTCAGTTCTTGACTCCGGAGTGCATAA[A>G]TCAGAGGATCGATGATTGAATTACACATGATCAGTATGAGATACAAGTTAAAGTGAGACA-3'
Protein context (NP_005903.2, residues 291-311): IMCNSIIDPL[Ile301Thr]YALRSQELRK

ClinVar aggregate classification (germline): Pathogenic. Review status: criteria provided, multiple submitters, no conflicts (2 of 4 stars). 3 submissions from 3 submitters: Pathogenic (2). 1 of the submissions does not count toward it. Last evaluated 2023-07-27.

Conditions:
MC4R-related disorder. Also called: MC4R-related condition.

Allele frequency attached by ClinVar (database versions not stated): TOPMed below 0.00001.

Submissions (3):

GeneDx
Classification: Pathogenic. Last evaluated: 2023-07-27. Review status: criteria provided, single submitter. Criteria: GeneDx Variant Classification Process June 2021. Collection method: clinical testing. Allele origin: germline. Affected: yes.
Comment: Published functional studies demonstrate a damaging effect (Lotta et al., 2019; Vaisse et al., 2000); Not observed at significant frequency in large population cohorts (gnomAD); This variant is associated with the following publications: (PMID: 17590021, 16752916, 10903341, 18559663, 12690102, 16507637, 17628007, 18231126, 30811542, 29216354, 31002796)

Labcorp Genetics (formerly Invitae), Labcorp
Classification: Pathogenic. Last evaluated: 2023-07-03. Review status: criteria provided, single submitter. Criteria: Invitae Variant Classification Sherloc (09022015). Collection method: clinical testing. Allele origin: germline.
Comment: Advanced modeling of protein sequence and biophysical properties (such as structural, functional, and spatial information, amino acid conservation, physicochemical variation, residue mobility, and thermodynamic stability) has been performed at Invitae for this missense variant, however the output from this modeling did not meet the statistical confidence thresholds required to predict the impact of this variant on MC4R protein function. ClinVar contains an entry for this variant (Variation ID: 945179). This missense change has been observed in individual(s) with MC4R-related disease (PMID: 10903341, 18559663). In at least one individual the data is consistent with being in trans (on the opposite chromosome) from a pathogenic variant. It has also been observed to segregate with disease in related individuals. This variant is not present in population databases (gnomAD no frequency). This sequence change replaces isoleucine, which is neutral and non-polar, with threonine, which is neutral and polar, at codon 301 of the MC4R protein (p.Ile301Thr). Experimental studies have shown that this missense change affects MC4R function (PMID: 10903341, 12690102, 16507637, 16752916). For these reasons, this variant has been classified as Pathogenic.

PreventionGenetics, part of Exact Sciences
Classification: Pathogenic for MC4R-related condition. Last evaluated: 2024-09-24. Review status: no assertion criteria provided. Collection method: clinical testing. Allele origin: germline. Not counted in ClinVar's aggregate classification.
Comment: The MC4R c.902T>C variant is predicted to result in the amino acid substitution p.Ile301Thr. This variant has been reported in the heterozygous, compound heterozygous, and homozygous states in individuals with obesity, with compound heterozygotes and homozygotes noted to be more severely affected (Vaisse et al. 2000. PubMed ID: 10903341; Lubrano-Berthelier et al. 2006. PubMed ID: 16507637; Stutzmann et al. 2008. PubMed ID: 18559663). It segregated with disease in multiple families (Vaisse et al. 2000. PubMed ID: 1090334; Stutzmann et al. 2008. PubMed ID: 18559663). In vitro experimental studies suggest this variant affects protein function (see, for example, Vaisse et al. 2000. PubMed ID: 10903341; Lubrano-Berthelier et al. 2006. PubMed ID: 16507637; Nijenhuis et al. 2003. PubMed ID: 12690102). This variant has not been reported in a large population database, indicating this variant is rare. This variant is interpreted as pathogenic.

Literature cited by the submitters: PubMed 10903341 (cited by Labcorp Genetics (formerly Invitae), Labcorp); PubMed 18559663 (cited by Labcorp Genetics (formerly Invitae), Labcorp); PubMed 12690102 (cited by Labcorp Genetics (formerly Invitae), Labcorp); PubMed 16507637 (cited by Labcorp Genetics (formerly Invitae), Labcorp); PubMed 16752916 (cited by Labcorp Genetics (formerly Invitae), Labcorp).